The following is an entry in ClinVar:

NM_002087.4(GRN):c.1682_1683delinsGG (p.Ala561Gly)

Gene: GRN (granulin precursor; plus strand). Cytogenetic location: 17q21.31.
Variant type: Indel.
Coding change: c.1682_1683delinsGG on transcript NM_002087.4 (MANE Select); coding-DNA positions 1682 to 1683, CT replaced by GG.
Protein change: p.Ala561Gly; replaces alanine 561 with glycine.
Molecular consequence: missense variant.
Genome position (GRCh38, 1-based): chr17:44,352,698-44,352,699, CT replaced by GG. VCF-style: chr17-44352698-CT-GG. GRCh37 (hg19) VCF-style: chr17-42430066-CT-GG.
Other names: short protein forms A561G.
Identifiers: ClinVar variation 2632289 (VCV002632289.2), dbSNP rs2510058625, ClinGen allele CA2695200262.

ClinVar aggregate classification (germline): Uncertain significance. Review status: criteria provided, multiple submitters, no conflicts (2 of 4 stars). 2 submissions from 2 submitters: Uncertain significance (2). Last evaluated 2025-05-08.

Conditions:
Neuronal ceroid lipofuscinosis 11. Also called: GRN-Related Neuronal Ceroid-Lipofuscinosis. Identifiers: Orphanet 314629, Orphanet 79262, MedGen C3539123, MONDO:0013866, OMIM 614706.
GRN-related frontotemporal lobar degeneration with Tdp43 inclusions (FTD2). Also called: DEMENTIA, HEREDITARY DYSPHASIC DISINHIBITION; GRN Frontotemporal Dementia; FRONTOTEMPORAL DEMENTIA WITH TDP43 INCLUSIONS, GRN-RELATED; FRONTOTEMPORAL LOBAR DEGENERATION WITH UBIQUITIN-POSITIVE INCLUSIONS; FTLD-TDP, GRN-RELATED. Identifiers: Orphanet 100070, Orphanet 282, MedGen C1843792, MONDO:0011842, OMIM 607485. Disease mechanism: loss of function.
GRN-related disorder. Also called: GRN-related condition; GRN-related disorders.

Submissions (2):

Labcorp Genetics (formerly Invitae), Labcorp
Classification: Uncertain significance for Neuronal ceroid lipofuscinosis 11; GRN-related frontotemporal lobar degeneration with Tdp43 inclusions. Last evaluated: 2025-05-08. Review status: criteria provided, single submitter. Criteria: Invitae Variant Classification Sherloc (09022015). Collection method: clinical testing. Allele origin: germline.
Comment: This sequence change replaces alanine, which is neutral and non-polar, with glycine, which is neutral and non-polar, at codon 561 of the GRN protein (p.Ala561Gly). Information on the frequency of this variant in the gnomAD database is not available, as this variant may be reported differently in the database. This variant has not been reported in the literature in individuals affected with GRN-related conditions. ClinVar contains an entry for this variant (Variation ID: 2632289). An algorithm developed to predict the effect of missense changes on protein structure and function (PolyPhen-2) suggests that this variant is likely to be tolerated. In summary, the available evidence is currently insufficient to determine the role of this variant in disease. Therefore, it has been classified as a Variant of Uncertain Significance.

PreventionGenetics, part of Exact Sciences
Classification: Uncertain significance for GRN-related condition. Last evaluated: 2023-07-12. Review status: criteria provided, single submitter. Criteria: ACMG Guidelines, 2015. Collection method: clinical testing. Allele origin: germline.
Comment: The GRN c.1682_1683delinsGG variant is predicted to result in an in-frame deletion and insertion. To our knowledge, this variant has not been reported in the literature or in a large population database, indicating this variant is rare. At this time, the clinical significance of this variant is uncertain due to the absence of conclusive functional and genetic evidence.